The following is an entry in ClinVar:

ClinVar aggregate classification (germline): Pathogenic (1 of 4 stars; one submission).

Conditions:
Duchenne muscular dystrophy (DMD). Also called: Duchenne Muscular Dystrophy (DMD); MUSCULAR DYSTROPHY, PSEUDOHYPERTROPHIC PROGRESSIVE, DUCHENNE TYPE. Identifiers: Orphanet 98896, MedGen C0013264, MONDO:0010679, OMIM 310200.

Submission:

3billion
Classification: Pathogenic for Duchenne muscular dystrophy. Last evaluated: 2023-02-23. Review status: criteria provided, single submitter. Criteria: ACMG Guidelines, 2015. Collection method: clinical testing. Allele origin: unknown. Affected: yes.
Comment: The variant is not observed in the gnomAD v2.1.1 dataset. This variant was predicted to result in a loss or disruption of normal protein function through nonsense-mediated decay (NMD) or protein truncation. Multiple pathogenic variants are reported downstream of the variant. The variant has been reported to be associated with DMD related disorder (PMID: 29973226). Therefore, this variant is classified as Pathogenic according to the recommendation of ACMG/AMP guideline.

Literature cited by the submitters: PubMed 29973226.

NM_004006.3(DMD):c.130dup (p.Leu44fs)

Gene: DMD (dystrophin; minus strand). Cytogenetic location: Xp21.1.
Variant type: Duplication.
Coding change: c.130dup on transcript NM_004006.3 (MANE Select); coding-DNA position 130, one base duplicated (C; older notation c.130dupC).
Protein change: p.Leu44fs; shifts the reading frame from leucine 44.
Molecular consequence: frameshift variant. On other transcripts: 5 prime UTR variant (1).
Genome position (GRCh38, 1-based): chrX:32,849,784, G duplicated on the plus strand (C on the coding strand, the reverse complement: DMD is on the minus strand); the first of 2 consecutive G bases (chrX:32,849,784-32,849,785); duplicating either gives the same sequence. VCF-style (leftmost placement, unchanged base first): chrX-32849783-A-AG. GRCh37 (hg19) VCF-style: chrX-32867900-A-AG.
Other names: c.106dup, p.Leu36fs (NM_000109.4); c.118dup, p.Leu40fs (NM_004009.3); c.-240dup (NM_004010.3); short protein forms L36fs, L40fs, L44fs.
Identifiers: ClinVar variation 2444047 (VCV002444047.1), dbSNP rs2524951543, ClinGen allele CA2580101166.